The following is an entry in ClinVar:

NM_001558.4(IL10RA):c.1240G>A (p.Gly414Arg)

Gene: IL10RA (interleukin 10 receptor subunit alpha; plus strand). Cytogenetic location: 11q23.3.
Variant type: single nucleotide variant.
Coding change: c.1240G>A on transcript NM_001558.4 (MANE Select); coding-DNA position 1240, G replaced by A.
Protein change: p.Gly414Arg; replaces glycine 414 with arginine.
Molecular consequence: missense variant. On other transcripts: non-coding transcript variant (1).
Genome position (GRCh38, 1-based): chr11:117,999,144, G>A. VCF-style: chr11-117999144-G-A. GRCh37 (hg19) VCF-style: chr11-117869859-G-A.
Other names: short protein forms G414R.
Identifiers: ClinVar variation 2787138 (VCV002787138.3), dbSNP rs2496793175, ClinGen allele CA382780423.
Genomic context (GRCh38, chr11:117,999,144, plus strand): 5'-AACAGCAGGGGCCAGGATGACAGTGGCATTGACTTAGTTCAAAACTCTGAGGGCCGGGCT[G>A]GGGACACACAGGGTGGCTCGGCCTTGGGCCACCACAGTCCCCCGGAGCCTGAGGTGCCTG-3'
Protein context (NP_001549.2, residues 404-424): DLVQNSEGRA[Gly414Arg]DTQGGSALGH

ClinVar aggregate classification (germline): Uncertain significance (1 of 4 stars; one submission).

Conditions:
Inflammatory bowel disease 28. Also called: Inflammatory bowel disease 28, early onset, autosomal recessive. Identifiers: Orphanet 238569, MedGen C2751053, MONDO:0013153, OMIM 613148.

Submission:

Labcorp Genetics (formerly Invitae), Labcorp
Classification: Uncertain significance for Inflammatory bowel disease 28. Last evaluated: 2023-04-05. Review status: criteria provided, single submitter. Criteria: Invitae Variant Classification Sherloc (09022015). Collection method: clinical testing. Allele origin: germline.
Comment: This sequence change replaces glycine, which is neutral and non-polar, with arginine, which is basic and polar, at codon 414 of the IL10RA protein (p.Gly414Arg). This variant is not present in population databases (gnomAD no frequency). This variant has not been reported in the literature in individuals affected with IL10RA-related conditions. Advanced modeling of protein sequence and biophysical properties (such as structural, functional, and spatial information, amino acid conservation, physicochemical variation, residue mobility, and thermodynamic stability) performed at Invitae indicates that this missense variant is not expected to disrupt IL10RA protein function. In summary, the available evidence is currently insufficient to determine the role of this variant in disease. Therefore, it has been classified as a Variant of Uncertain Significance.